The following is an entry in ClinVar:

ClinVar aggregate classification (germline): Conflicting classifications of pathogenicity. Review status: criteria provided, conflicting classifications (1 of 4 stars). 7 submissions from 7 submitters: Uncertain significance (5); Likely benign (1). 1 of the submissions does not count toward it. Last evaluated 2026-02-02.

Conditions:
Mucopolysaccharidosis, MPS-III-B (MPS3B). Also called: MPS IIIB (Sanfilippo Syndrome Type B); MUCOPOLYSACCHARIDOSIS, TYPE IIIB; Mucopolysaccharidosis type IIIB (Sanfilippo B); N-ACETYL-ALPHA-D-GLUCOSAMINIDASE DEFICIENCY; NAGLU DEFICIENCY; SANFILIPPO SYNDROME B. Identifiers: Orphanet 79270, MedGen C0086648, MONDO:0009656, OMIM 252920.
Charcot-Marie-Tooth disease axonal type 2V. Also called: CHARCOT-MARIE-TOOTH NEUROPATHY, TYPE 2V; CHARCOT-MARIE-TOOTH DISEASE, AXONAL, AUTOSOMAL DOMINANT, TYPE 2V. Identifiers: Orphanet 447964, MedGen C5569050, MONDO:0014665, OMIM 616491.
Inborn genetic diseases. Identifiers: MedGen C0950123, MeSH D030342.

Allele frequency attached by ClinVar (database versions not stated): gnomAD exomes 0.00005; 1000 Genomes Project 30x 0.00125; 1000 Genomes Project 0.00160; gnomAD 0.00055 and 0.00056; TOPMed 0.00072; ExAC below 0.00001.
gnomAD v4.1: 166 of 1,498,934 alleles (0.011%); highest among the groups gnomAD compares: African/African-American, 0.12%; 1 homozygote.

Submissions (7):

Labcorp Genetics (formerly Invitae), Labcorp
Classification: Likely benign for Charcot-Marie-Tooth disease axonal type 2V; Mucopolysaccharidosis, MPS-III-B. Last evaluated: 2026-02-02. Review status: criteria provided, single submitter. Criteria: Invitae Variant Classification Sherloc (09022015). Collection method: clinical testing. Allele origin: germline.

Women's Health and Genetics/Laboratory Corporation of America, LabCorp
Classification: Uncertain significance. Last evaluated: 2025-05-14. Review status: criteria provided, single submitter. Criteria: LabCorp Variant Classification Summary - May 2015. Collection method: clinical testing. Allele origin: germline.
Comment: Variant summary: NAGLU c.353C>T (p.Pro118Leu) results in a non-conservative amino acid change in the encoded protein sequence. Algorithms developed to predict the effect of missense changes on protein structure and function all suggest that this variant is likely to be disruptive. The variant allele was found at a frequency of 5.2e-05 in 95632 control chromosomes (gnomAD). The available data on variant occurrences in the general population are insufficient to allow any conclusion about variant significance. To our knowledge, no occurrence of c.353C>T in individuals affected with Mucopolysaccharidosis Type IIIB (Sanfilippo Syndrome B) and no experimental evidence demonstrating its impact on protein function have been reported. ClinVar contains an entry for this variant (Variation ID: 983398). Based on the evidence outlined above, the variant was classified as uncertain significance.

Ambry Genetics
Classification: Uncertain significance for Inborn genetic diseases. Last evaluated: 2024-11-29. Review status: criteria provided, single submitter. Criteria: Ambry Variant Classification Scheme 2023. Collection method: clinical testing. Allele origin: germline.

Blueprint Genetics
Classification: Uncertain significance. Last evaluated: 2024-07-01. Review status: criteria provided, single submitter. Criteria: ACMG Guidelines, 2015. Collection method: clinical testing. Allele origin: germline.

Fulgent Genetics
Classification: Uncertain significance for Mucopolysaccharidosis, MPS-III-B; Charcot-Marie-Tooth disease axonal type 2V. Last evaluated: 2021-07-16. Review status: criteria provided, single submitter. Criteria: ACMG Guidelines, 2015. Collection method: clinical testing. Allele origin: unknown.

New York Genome Center
Classification: Uncertain significance for Mucopolysaccharidosis, MPS-III-B. Last evaluated: 2020-03-19. Review status: criteria provided, single submitter. Criteria: NYGC Assertion Criteria 2020. Collection method: clinical testing. Allele origin: germline. Observed: 1 heterozygote. Study: CSER-NYCKidSeq.

Natera, Inc.
Classification: Uncertain significance for Mucopolysaccharidosis type IIIB. Last evaluated: 2020-01-28. Review status: no assertion criteria provided. Collection method: clinical testing. Allele origin: germline. Not counted in ClinVar's aggregate classification.

NM_000263.4(NAGLU):c.353C>T (p.Pro118Leu)

Gene: NAGLU (N-acetyl-alpha-glucosaminidase; plus strand). Cytogenetic location: 17q21.2.
Variant type: single nucleotide variant.
Coding change: c.353C>T on transcript NM_000263.4 (MANE Select); coding-DNA position 353, C replaced by T.
Protein change: p.Pro118Leu; replaces proline 118 with leucine.
Molecular consequence: missense variant.
Genome position (GRCh38, 1-based): chr17:42,536,625, C>T. VCF-style: chr17-42536625-C-T. GRCh37 (hg19) VCF-style: chr17-40688643-C-T.
Other names: short protein forms P118L.
Identifiers: ClinVar variation 983398 (VCV000983398.12), dbSNP rs530062090, ClinGen allele CA8576707.